The following is an entry in ClinVar:

NM_005751.5(AKAP9):c.10319T>C (p.Met3440Thr)

Gene: AKAP9 (A-kinase anchoring protein 9; plus strand). Cytogenetic location: 7q21.2.
Variant type: single nucleotide variant.
Coding change: c.10319T>C on transcript NM_005751.5 (MANE Select); coding-DNA position 10319, T replaced by C.
Protein change: p.Met3440Thr; replaces methionine 3440 with threonine.
Molecular consequence: missense variant.
Genome position (GRCh38, 1-based): chr7:92,097,278, T>C. VCF-style: chr7-92097278-T-C. GRCh37 (hg19) VCF-style: chr7-91726592-T-C.
Other names: p.M3440T:ATG>ACG; c.4964T>C, p.Met1655Thr (NM_001379277.1); c.10295T>C, p.Met3432Thr (NM_147185.3); short protein forms M3440T, M3432T, M1655T.
Identifiers: ClinVar variation 190494 (VCV000190494.8), dbSNP rs751924200, ClinGen allele CA300633.
Genomic context (GRCh38, chr7:92,097,278, plus strand): 5'-AAGAGAAAAGACAACAAGTTTATAAGTTAGACCTTGAAGGACAGCGACTACAAGGAATCA[T>C]GCAGGAATTCCAGAAGCAAGAACTAGAACGAGAAGAAAAACGAGAAAGTAGAAGAATTCT-3'
Protein context (NP_005742.4, residues 3430-3450): DLEGQRLQGI[Met3440Thr]QEFQKQELER

ClinVar aggregate classification (germline): Conflicting classifications of pathogenicity. Review status: criteria provided, conflicting classifications (1 of 4 stars). 2 submissions from 2 submitters: Uncertain significance (1); Likely benign (1). Last evaluated 2024-07-01.

Conditions:
Long QT syndrome (LQTS). Identifiers: MedGen C0023976, MeSH D008133, MONDO:0002442. Disease mechanism: loss of function. Inheritance: Various modes of inheritance.

Allele frequency attached by ClinVar (database versions not stated): ExAC 0.00001; gnomAD 0.00001; TOPMed 0.00001.
gnomAD v4.1: 5 of 1,613,870 alleles (0.00031%); highest among the groups gnomAD compares: African/African-American, 0.0013%; no homozygotes.

Submissions (2):

Labcorp Genetics (formerly Invitae), Labcorp
Classification: Uncertain significance for Long QT syndrome. Last evaluated: 2024-07-01. Review status: criteria provided, single submitter. Criteria: Invitae Variant Classification Sherloc (09022015). Collection method: clinical testing. Allele origin: germline.
Comment: This sequence change replaces methionine, which is neutral and non-polar, with threonine, which is neutral and polar, at codon 3440 of the AKAP9 protein (p.Met3440Thr). This variant is present in population databases (rs751924200, gnomAD 0.004%). This variant has not been reported in the literature in individuals affected with AKAP9-related conditions. ClinVar contains an entry for this variant (Variation ID: 190494). An algorithm developed to predict the effect of missense changes on protein structure and function (PolyPhen-2) suggests that this variant is likely to be tolerated. In summary, the available evidence is currently insufficient to determine the role of this variant in disease. Therefore, it has been classified as a Variant of Uncertain Significance.

GeneDx
Classification: Likely benign. Last evaluated: 2011-10-05. Review status: criteria provided, single submitter. Criteria: GeneDx Variant Classification (06012015). Collection method: clinical testing. Allele origin: germline. Affected: yes.
Comment: This variant is considered likely benign or benign based on one or more of the following criteria: it is a conservative change, it occurs at a poorly conserved position in the protein, it is predicted to be benign by multiple in silico algorithms, and/or has population frequency not consistent with disease.